The following is an entry in ClinVar:

NM_032119.4(ADGRV1):c.14329C>T (p.Gln4777Ter)

Gene: ADGRV1 (adhesion G protein-coupled receptor V1; plus strand). Cytogenetic location: 5q14.3.
Variant type: single nucleotide variant.
Coding change: c.14329C>T on transcript NM_032119.4 (MANE Select); coding-DNA position 14329, C replaced by T.
Protein change: p.Gln4777Ter; replaces glutamine 4777 with a stop codon.
Molecular consequence: nonsense. On other transcripts: non-coding transcript variant (1).
Genome position (GRCh38, 1-based): chr5:90,791,158, C>T. VCF-style: chr5-90791158-C-T. GRCh37 (hg19) VCF-style: chr5-90086975-C-T.
Other names: short protein forms Q4777*.
Identifiers: ClinVar variation 2503093 (VCV002503093.3), dbSNP rs1474343714, ClinGen allele CA360401501.

ClinVar aggregate classification (germline): Pathogenic/Likely pathogenic. Review status: criteria provided, multiple submitters, no conflicts (2 of 4 stars). 2 submissions from 2 submitters: Pathogenic (1); Likely pathogenic (1). Last evaluated 2025-12-23.

Conditions:
Usher syndrome. Also called: Usher Syndromes; Usher's syndrome. Identifiers: Orphanet 886, MedGen CN469326, MeSH D052245, MONDO:0019501. Disease mechanism: loss of function.

Allele frequency attached by ClinVar (database versions not stated): gnomAD exomes below 0.00001; gnomAD 0.00001; TOPMed below 0.00001.
gnomAD v4.1: 4 of 1,613,808 alleles (0.00025%); highest among the groups gnomAD compares: Non-Finnish European, 0.00025%; no homozygotes.

Submissions (2):

Dasa
Classification: Likely pathogenic. Last evaluated: 2025-12-23. Review status: criteria provided, single submitter. Criteria: DASA Assertion Criteria. Collection method: clinical testing. Allele origin: germline.
Comment: NM_032119.4(ADGRV1):c.14329C>T (p.Gln4777*) is a nonsense variant in ADGRV1 predicted to introduce a premature termination codon and is predicted to result in an absent or altered protein product. Loss of function is an established disease mechanism for ADGRV1-associated disorders. Also, this variant is rare in population databases. Based on the currently available evidence, this variant is classified as likely pathogenic.

SN ONGC Dept of Genetics and Molecular biology Vision Research Foundation
Classification: Pathogenic for Usher syndrome. Last evaluated: 2022-12-31. Review status: criteria provided, single submitter. Criteria: ACMG Guidelines, 2015. Collection method: research. Allele origin: biparental. Affected: yes. Observed: 1 variant allele, 1 homozygote.